The following is an entry in ClinVar:

ClinVar aggregate classification (germline): Benign/Likely benign. Review status: criteria provided, multiple submitters, no conflicts (2 of 4 stars). 14 submissions from 14 submitters: Benign (3); Likely benign (5). 6 of the submissions do not count toward it. Last evaluated 2026-01-21.

Conditions:
Inborn genetic diseases. Identifiers: MedGen C0950123, MeSH D030342.
FGD1-related disorder. Also called: FGD1-related disorders; FGD1-related condition.
Aarskog syndrome (AAS). Also called: Aarskog Scott syndrome; Aarskog disease; FGD1-Related Faciogenital Dysplasia (Aarskog-Scott Syndrome); Aarskog-Scott syndrome, X-linked; FGDY. Identifiers: Orphanet 915, MedGen C0175701, MONDO:0010589, OMIM 305400.
Intellectual disability. Also called: Intellectual functioning disability; Intellectual developmental disorder; intellectual disabilities. Identifiers: MedGen C3714756, MeSH D008607, MONDO:0001071, HP:0001249.

Allele frequency attached by ClinVar (database versions not stated): 1000 Genomes Project 0.00185; ESP Exome Variant Server 0.00218; gnomAD exomes 0.00132 and 0.00207; ExAC 0.00137; gnomAD 0.00117 and 0.00124; TOPMed 0.00122; 1000 Genomes Project 30x 0.00166.
gnomAD v4.1: 2,376 of 1,209,766 alleles (0.2%); highest among the groups gnomAD compares: Non-Finnish European, 0.24%; 1 homozygote.

Submissions (14):

Labcorp Genetics (formerly Invitae), Labcorp
Classification: Benign. Last evaluated: 2026-01-21. Review status: criteria provided, single submitter. Criteria: Invitae Variant Classification Sherloc (09022015). Collection method: clinical testing. Allele origin: germline.

Blueprint Genetics
Classification: Likely benign. Last evaluated: 2024-11-21. Review status: criteria provided, single submitter. Criteria: ACMG Guidelines, 2015. Collection method: clinical testing. Allele origin: germline.

Fulgent Genetics
Classification: Likely benign for Aarskog syndrome. Last evaluated: 2021-08-11. Review status: criteria provided, single submitter. Criteria: ACMG Guidelines, 2015. Collection method: clinical testing. Allele origin: unknown.

Cambridge Genomics Laboratory, East Genomic Laboratory Hub, NHS Genomic Medicine Service
Classification: Likely benign for Intellectual disability. Last evaluated: 2020-07-27. Review status: criteria provided, single submitter. Criteria: ACGS Best Practice Guidelines for Variant Classification in Rare Disease 2020. Collection method: clinical testing. Allele origin: germline. Affected: yes. Observed: 1 variant allele.

Mendelics
Classification: Likely benign for Aarskog syndrome. Last evaluated: 2019-05-28. Review status: criteria provided, single submitter. Criteria: Mendelics Assertion Criteria 2017. Collection method: clinical testing. Allele origin: unknown.

Center for Pediatric Genomic Medicine, Children's Mercy Hospital and Clinics
Classification: Likely benign. Last evaluated: 2017-06-14. Review status: criteria provided, single submitter. Criteria: ACMG Guidelines, 2015. Collection method: clinical testing. Allele origin: germline.

Ambry Genetics
Classification: Benign for Inborn genetic diseases. Last evaluated: 2016-09-07. Review status: criteria provided, single submitter. Criteria: Ambry Variant Classification Scheme 2023. Collection method: clinical testing. Allele origin: germline.

Eurofins Ntd Llc (ga)
Classification: Benign. Last evaluated: 2013-10-29. Review status: criteria provided, single submitter. Criteria: EGL Classification Definitions 2015. Collection method: clinical testing. Allele origin: germline. Observed: 1 variant allele, 1 heterozygote.

PreventionGenetics, part of Exact Sciences
Classification: Likely benign for FGD1-related condition. Last evaluated: 2019-08-07. Review status: no assertion criteria provided. Collection method: clinical testing. Allele origin: germline. Not counted in ClinVar's aggregate classification.
Comment: This variant is classified as likely benign based on ACMG/AMP sequence variant interpretation guidelines (Richards et al. 2015 PMID: 25741868, with internal and published modifications).

Clinical Genetics DNA and cytogenetics Diagnostics Lab, Erasmus MC, Erasmus Medical Center
Classification: Likely benign. Review status: no assertion criteria provided. Collection method: clinical testing. Allele origin: germline. Affected: yes. Study: VKGL Data-share Consensus. Not counted in ClinVar's aggregate classification.

Diagnostic Laboratory, Department of Genetics, University Medical Center Groningen
Classification: Likely benign for Aarskog syndrome. Review status: no assertion criteria provided. Collection method: clinical testing. Allele origin: germline. Affected: yes. Study: VKGL Data-share Consensus. Not counted in ClinVar's aggregate classification.

Genome Diagnostics Laboratory, University Medical Center Utrecht
Classification: Likely benign. Review status: no assertion criteria provided. Collection method: clinical testing. Allele origin: germline. Affected: yes. Study: VKGL Data-share Consensus. Not counted in ClinVar's aggregate classification.

Joint Genome Diagnostic Labs from Nijmegen and Maastricht, Radboudumc and MUMC+
Classification: Benign. Review status: no assertion criteria provided. Collection method: clinical testing. Allele origin: germline. Affected: yes. Study: VKGL Data-share Consensus. Not counted in ClinVar's aggregate classification.

Laboratory of Diagnostic Genome Analysis, Leiden University Medical Center (LUMC)
Classification: Likely benign. Review status: no assertion criteria provided. Collection method: clinical testing. Allele origin: germline. Affected: yes. Study: VKGL Data-share Consensus. Not counted in ClinVar's aggregate classification.

NM_004463.3(FGD1):c.395G>A (p.Arg132Gln)

Gene: FGD1 (FYVE, RhoGEF and PH domain containing 1; minus strand). Cytogenetic location: Xp11.22.
Variant type: single nucleotide variant.
Coding change: c.395G>A on transcript NM_004463.3 (MANE Select); coding-DNA position 395, G replaced by A.
Protein change: p.Arg132Gln; replaces arginine 132 with glutamine.
Molecular consequence: missense variant.
Genome position (GRCh38, 1-based): chrX:54,471,400, C>T on the plus strand (G>A on the coding strand, the complement: FGD1 is on the minus strand). VCF-style: chrX-54471400-C-T. GRCh37 (hg19) VCF-style: chrX-54497833-C-T.
Other names: short protein forms R132Q.
Identifiers: ClinVar variation 95092 (VCV000095092.29), dbSNP rs145644275, ClinGen allele CA148166.